The following is an entry in ClinVar:

ClinVar aggregate classification (germline): Likely benign (0 of 4 stars; one submission).

Conditions:
PLXNA2-related disorder. Also called: PLXNA2-related condition.

Allele frequency attached by ClinVar (database versions not stated): gnomAD 0.00002; TOPMed 0.00005; ESP Exome Variant Server 0.00008.
gnomAD v4.1: 112 of 1,613,944 alleles (0.0069%); highest among the groups gnomAD compares: Non-Finnish European, 0.0086%; 1 homozygote.

Submission:

PreventionGenetics, part of Exact Sciences
Classification: Likely benign for PLXNA2-related condition. Last evaluated: 2023-09-18. Review status: no assertion criteria provided. Collection method: clinical testing. Allele origin: germline.
Comment: This variant is classified as likely benign based on ACMG/AMP sequence variant interpretation guidelines (Richards et al. 2015 PMID: 25741868, with internal and published modifications).

NM_025179.4(PLXNA2):c.1131C>T (p.Gly377=)

Gene: PLXNA2 (plexin A2; minus strand). Cytogenetic location: 1q32.2.
Variant type: single nucleotide variant.
Coding change: c.1131C>T on transcript NM_025179.4 (MANE Select); coding-DNA position 1131, C replaced by T.
Protein change: p.Gly377=; no amino-acid change (glycine 377 retained).
Molecular consequence: synonymous variant.
Genome position (GRCh38, 1-based): chr1:208,216,792, G>A on the plus strand (C>T on the coding strand, the complement: PLXNA2 is on the minus strand). VCF-style: chr1-208216792-G-A. GRCh37 (hg19) VCF-style: chr1-208390137-G-A.
Identifiers: ClinVar variation 3048570 (VCV003048570.2), dbSNP rs368699739, ClinGen allele CA1373967.